The following is an entry in ClinVar:

ClinVar aggregate classification (germline): Pathogenic. Review status: criteria provided, multiple submitters, no conflicts (2 of 4 stars). 2 submissions from 2 submitters: Pathogenic (2). Last evaluated 2025-12-21.

Conditions:
Familial thoracic aortic aneurysm and aortic dissection (TAAD). Also called: Thoracic aortic aneurysms and dissections. Identifiers: Orphanet 91387, MedGen C4707243, MONDO:0019625.
Marfan syndrome (MFS). Also called: Marfan syndrome type 1; Marfan syndrome, classic; Marfan's syndrome; FBN1-Related Marfan Syndrome; MARFAN SYNDROME, TYPE I. Identifiers: Orphanet 284963, Orphanet 558, MedGen C0024796, MONDO:0007947, OMIM 154700.

Submissions (2):

Labcorp Genetics (formerly Invitae), Labcorp
Classification: Pathogenic for Marfan syndrome; Familial thoracic aortic aneurysm and aortic dissection. Last evaluated: 2025-12-21. Review status: criteria provided, single submitter. Criteria: Invitae Variant Classification Sherloc (09022015). Collection method: clinical testing. Allele origin: germline.
Comment: This sequence change replaces cysteine, which is neutral and slightly polar, with tyrosine, which is neutral and polar, at codon 1674 of the FBN1 protein (p.Cys1674Tyr). This variant is not present in population databases (gnomAD no frequency). This missense change has been observed in individuals with clinical features of Marfan syndrome (PMID: 17627385, 19839986; internal data). ClinVar contains an entry for this variant (Variation ID: 547326). Invitae Evidence Modeling of protein sequence and biophysical properties (such as structural, functional, and spatial information, amino acid conservation, physicochemical variation, residue mobility, and thermodynamic stability) indicates that this missense variant is expected to disrupt FBN1 protein function with a positive predictive value of 95%. This variant affects a cysteine residue in the EGF-like, TGFBP or hybrid motif domains of FBN1. Cysteine residues are believed to be involved in intramolecular disulfide bridges and have been shown to be important for FBN1 protein structure (PMID: 16905551, 19349279). In addition, missense substitutions affecting cysteine residues within these domains are significantly overrepresented among patients with Marfan syndrome (PMID: 16571647, 17701892). This variant disrupts the p.Cys1674 amino acid residue in FBN1. Other variant(s) that disrupt this residue have been observed in individuals with FBN1-related conditions (PMID: 18435798), which suggests that this may be a clinically significant amino acid residue. For these reasons, this variant has been classified as Pathogenic.

Center for Human Genetics, Inc
Classification: Pathogenic for Marfan syndrome. Last evaluated: 2016-11-01. Review status: criteria provided, single submitter. Criteria: ACMG Guidelines, 2015. Collection method: clinical testing. Allele origin: germline. Affected: yes.

Literature cited by the submitters: PubMed 17627385 (cited by Labcorp Genetics (formerly Invitae), Labcorp); PubMed 19839986 (cited by Labcorp Genetics (formerly Invitae), Labcorp); PubMed 16905551 (cited by Labcorp Genetics (formerly Invitae), Labcorp); PubMed 19349279 (cited by Labcorp Genetics (formerly Invitae), Labcorp); PubMed 16571647 (cited by Labcorp Genetics (formerly Invitae), Labcorp); PubMed 17701892 (cited by Labcorp Genetics (formerly Invitae), Labcorp); PubMed 18435798 (cited by Labcorp Genetics (formerly Invitae), Labcorp).

NM_000138.5(FBN1):c.5021G>A (p.Cys1674Tyr)

Gene: FBN1 (fibrillin 1; minus strand). Cytogenetic location: 15q21.1.
Variant type: single nucleotide variant.
Coding change: c.5021G>A on transcript NM_000138.5 (MANE Select); coding-DNA position 5021, G replaced by A.
Protein change: p.Cys1674Tyr; replaces cysteine 1674 with tyrosine.
Molecular consequence: missense variant.
Genome position (GRCh38, 1-based): chr15:48,463,943, C>T on the plus strand (G>A on the coding strand, the complement: FBN1 is on the minus strand). VCF-style: chr15-48463943-C-T. GRCh37 (hg19) VCF-style: chr15-48756140-C-T.
Other names: short protein forms C1674Y.
Identifiers: ClinVar variation 547326 (VCV000547326.10), dbSNP rs794728233, ClinGen allele CA392349892.